The following is an entry in ClinVar:

NM_004360.5(CDH1):c.1091del (p.Thr364fs)

Gene: CDH1 (cadherin 1; plus strand). Cytogenetic location: 16q22.1.
Variant type: Deletion.
Coding change: c.1091del on transcript NM_004360.5 (MANE Select); coding-DNA position 1091, one base deleted (C; older notation c.1091delC).
Protein change: p.Thr364fs; shifts the reading frame from threonine 364.
Molecular consequence: frameshift variant. On other transcripts: 5 prime UTR variant (2).
Genome position (GRCh38, 1-based): chr16:68,812,217, C deleted. VCF-style (leftmost placement, unchanged base first): chr16-68812216-AC-A. GRCh37 (hg19) VCF-style: chr16-68846119-AC-A.
Other names: c.1091del, p.Thr364fs (NM_001317184.2); c.-525del (NM_001317185.2); c.-729del (NM_001317186.2); short protein forms T364fs.
Identifiers: ClinVar variation 2131686 (VCV002131686.4), dbSNP rs2543924383, ClinGen allele CA2580091872.

ClinVar aggregate classification (germline): Pathogenic (1 of 4 stars; one submission).

Conditions:
Hereditary diffuse gastric adenocarcinoma (HDGC). Also called: DIFFUSE GASTRIC AND LOBULAR BREAST CANCER SYNDROME. Identifiers: Orphanet 26106, MedGen C1708349, MONDO:0007648, OMIM 137215.

Submission:

Labcorp Genetics (formerly Invitae), Labcorp
Classification: Pathogenic for Hereditary diffuse gastric adenocarcinoma. Last evaluated: 2025-09-15. Review status: criteria provided, single submitter. Criteria: Invitae Variant Classification Sherloc (09022015). Collection method: clinical testing. Allele origin: germline.
Comment: This sequence change creates a premature translational stop signal (p.Thr364Lysfs*29) in the CDH1 gene. It is expected to result in an absent or disrupted protein product. Loss-of-function variants in CDH1 are known to be pathogenic (PMID: 15235021, 20373070). This variant is not present in population databases (gnomAD no frequency). This variant has not been reported in the literature in individuals affected with CDH1-related conditions. ClinVar contains an entry for this variant (Variation ID: 2131686). For these reasons, this variant has been classified as Pathogenic.

Literature cited by the submitters: PubMed 15235021; PubMed 20373070.